The following is an entry in ClinVar:

ClinVar aggregate classification (germline): Uncertain significance (1 of 4 stars; one submission).

gnomAD v4.1: 7 of 1,613,254 alleles (0.00043%); highest among the groups gnomAD compares: African/African-American, 0.0093%; no homozygotes.

Submission:

Labcorp Genetics (formerly Invitae), Labcorp
Classification: Uncertain significance. Last evaluated: 2025-07-14. Review status: criteria provided, single submitter. Criteria: Invitae Variant Classification Sherloc (09022015). Collection method: clinical testing. Allele origin: germline.
Comment: This sequence change replaces leucine, which is neutral and non-polar, with methionine, which is neutral and non-polar, at codon 629 of the PLEKHM2 protein (p.Leu629Met). This variant is present in population databases (rs369864820, gnomAD 0.01%). This variant has not been reported in the literature in individuals affected with PLEKHM2-related conditions. An algorithm developed to predict the effect of missense changes on protein structure and function (PolyPhen-2) suggests that this variant is likely to be disruptive. In summary, the available evidence is currently insufficient to determine the role of this variant in disease. Therefore, it has been classified as a Variant of Uncertain Significance.

NM_015164.4(PLEKHM2):c.1885C>A (p.Leu629Met)

Gene: PLEKHM2 (pleckstrin homology and RUN domain containing M2; plus strand). Cytogenetic location: 1p36.21.
Variant type: single nucleotide variant.
Coding change: c.1885C>A on transcript NM_015164.4 (MANE Select); coding-DNA position 1885, C replaced by A.
Protein change: p.Leu629Met; replaces leucine 629 with methionine.
Molecular consequence: missense variant.
Genome position (GRCh38, 1-based): chr1:15,728,321, C>A. VCF-style: chr1-15728321-C-A. GRCh37 (hg19) VCF-style: chr1-16054816-C-A.
Other names: c.1825C>A, p.Leu609Met (NM_001410755.1); short protein forms L609M, L629M.
Identifiers: ClinVar variation 4812809 (VCV004812809.1).
Genomic context (GRCh38, chr1:15,728,321, plus strand): 5'-CCCCAGATGATCCGGATGAGCACCGGGCACATGGAGGGCAACCTGCAGCTGCTGTACGTG[C>A]TGCTCACAGACTGCTATGTCTACCTGCTCCGGAAAGGTGCCCGCCGCCCCCGGGCAGACA-3'
Protein context (NP_055979.2, residues 619-639): MEGNLQLLYV[Leu629Met]LTDCYVYLLR